The following is an entry in ClinVar:

NM_001365951.3(KIF1B):c.2264A>G (p.Lys755Arg)

Gene: KIF1B (kinesin family member 1B; plus strand). Cytogenetic location: 1p36.22.
Variant type: single nucleotide variant.
Coding change: c.2264A>G on transcript NM_001365951.3 (MANE Select); coding-DNA position 2264, A replaced by G.
Protein change: p.Lys755Arg; replaces lysine 755 with arginine.
Molecular consequence: missense variant.
Genome position (GRCh38, 1-based): chr1:10,321,763, A>G. VCF-style: chr1-10321763-A-G. GRCh37 (hg19) VCF-style: chr1-10381821-A-G.
Other names: c.2264A>G, p.Lys755Arg (NM_001365952.1); c.2126A>G, p.Lys709Arg (NM_015074.3); short protein forms K709R, K755R.
Identifiers: ClinVar variation 5023241 (VCV005023241.1).

ClinVar aggregate classification (germline): Uncertain significance (1 of 4 stars; one submission).

Submission:

Ambry Genetics
Classification: Uncertain significance. Last evaluated: 2026-09-14. Review status: criteria provided, single submitter. Criteria: Ambry Variant Classification Scheme 2023. Collection method: clinical testing. Allele origin: germline.
Comment: The p.K709R variant (also known as c.2126A>G), located in coding exon 21 of the KIF1B gene, results from an A to G substitution at nucleotide position 2126. The lysine at codon 709 is replaced by arginine, an amino acid with highly similar properties. This amino acid position is conserved. In addition, this alteration is predicted to be tolerated by in silico analysis. Based on the available evidence, the clinical significance of this variant remains unclear.